The following is an entry in ClinVar:

NM_000051.4(ATM):c.7381C>A (p.Arg2461Ser)

Genes: ATM (ATM serine/threonine kinase; plus strand), C11orf65 (chromosome 11 open reading frame 65; minus strand). Cytogenetic location: 11q22.3.
Variant type: single nucleotide variant.
Coding change: c.7381C>A on transcript NM_000051.4 (MANE Select); coding-DNA position 7381, C replaced by A.
Protein change: p.Arg2461Ser; replaces arginine 2461 with serine.
Molecular consequence: missense variant. On other transcripts: intron variant (2).
Genome position (GRCh38, 1-based): chr11:108,330,287, C>A. VCF-style: chr11-108330287-C-A. GRCh37 (hg19) VCF-style: chr11-108201014-C-A.
Other names: c.7381C>A, p.Arg2461Ser (NM_001351834.2); c.641-21216G>T (NM_001330368.2); c.*38+4933G>T (NM_001351110.2); short protein forms R2461S.
Identifiers: ClinVar variation 2579677 (VCV002579677.2), dbSNP rs201314561, ClinGen allele CA6266105.

ClinVar aggregate classification (germline): Uncertain significance. Review status: criteria provided, multiple submitters, no conflicts (2 of 4 stars). 2 submissions from 2 submitters: Uncertain significance (2). Last evaluated 2026-02-18.

Conditions:
Hereditary cancer-predisposing syndrome. Also called: Hereditary Cancer Syndrome; Hereditary neoplastic syndrome; Neoplastic Syndromes, Hereditary; Tumor predisposition. Identifiers: Orphanet 140162, MedGen C0027672, MeSH D009386, MONDO:0015356.
Multiple endocrine neoplasia, type 1 (MEN1). Also called: MEN I; WERMER SYNDROME; Endocrine adenomatosis multiple; MEN 1; MEA I. Identifiers: Orphanet 652, MedGen C0025267, MeSH D018761, MONDO:0007540, OMIM 131100.

gnomAD v4.1: 1 of 1,614,160 alleles (0.000062%); highest among the groups gnomAD compares: South Asian, 0.0011%; no homozygotes.

Submissions (2):

Ambry Genetics
Classification: Uncertain significance for Hereditary cancer-predisposing syndrome. Last evaluated: 2026-02-18. Review status: criteria provided, single submitter. Criteria: Ambry Variant Classification Scheme 2023. Collection method: clinical testing. Allele origin: germline.
Comment: The p.R2461S variant (also known as c.7381C>A), located in coding exon 49 of the ATM gene, results from a C to A substitution at nucleotide position 7381. The arginine at codon 2461 is replaced by serine, an amino acid with dissimilar properties. In an assay testing ATM function, this variant showed a functionally normal result (Lee KS et al. Cell, 2025 Sep;188:5081-5099.e27). This amino acid position is well conserved in available vertebrate species. In addition, this alteration is predicted to be deleterious by in silico analysis. Based on the available evidence, the clinical significance of this variant remains unclear.

Laboratory of Molecular and Cytogenetics, Department of Anatomy, All India Institute of Medical Sciences (AIIMS)
Classification: Uncertain significance for Multiple endocrine neoplasia, type 1. Last evaluated: 2023-06-10. Review status: criteria provided, single submitter. Criteria: ACMG Guidelines, 2015. Collection method: clinical testing. Allele origin: germline. Affected: yes. Observed: 1 variant allele.

Literature cited by the submitters: PubMed 40580951 (cited by Ambry Genetics).